The following is an entry in ClinVar:

ClinVar aggregate classification (germline): Benign/Likely benign. Review status: criteria provided, multiple submitters, no conflicts (2 of 4 stars). 8 submissions from 8 submitters: Benign (5); Likely benign (1). 2 of the submissions do not count toward it. Last evaluated 2026-01-26.

Conditions:
Cardiovascular phenotype. Identifiers: MedGen CN230736.
Myofibrillar myopathy 5. Also called: FILAMINOPATHY, AUTOSOMAL DOMINANT; Filaminopathy (type). Identifiers: Orphanet 171445, MedGen C1836050, MONDO:0012289, OMIM 609524.
Distal myopathy with posterior leg and anterior hand involvement. Also called: WILLIAMS DISTAL MYOPATHY. Identifiers: Orphanet 63273, MedGen C3279722, MONDO:0013550, OMIM 614065.
Hypertrophic cardiomyopathy 26. Also called: Cardiomyopathy, familial hypertrophic, 26. Identifiers: Orphanet 75249, MedGen C4310749, MONDO:0014883, OMIM 617047.
Cardiomyopathy (CMYO). Also called: Cardiomyopathies. Identifiers: Orphanet 167848, MedGen C0878544, MONDO:0004994, HP:0001638. Inheritance: Various modes of inheritance.

Allele frequency attached by ClinVar (database versions not stated): gnomAD 0.00003 and 0.00060; ESP Exome Variant Server 0.00008; TOPMed 0.00014; gnomAD exomes 0.00102 and 0.00212; ExAC 0.00249; 1000 Genomes Project 0.00260; 1000 Genomes Project 30x 0.00281.
gnomAD v4.1: 1,578 of 1,614,006 alleles (0.098%); highest among the groups gnomAD compares: South Asian, 1.6%; 32 homozygotes.

Submissions (8):

Labcorp Genetics (formerly Invitae), Labcorp
Classification: Benign for Distal myopathy with posterior leg and anterior hand involvement; Myofibrillar myopathy 5; Hypertrophic cardiomyopathy 26. Last evaluated: 2026-01-26. Review status: criteria provided, single submitter. Criteria: Invitae Variant Classification Sherloc (09022015). Collection method: clinical testing. Allele origin: germline.

Women's Health and Genetics/Laboratory Corporation of America, LabCorp
Classification: Benign. Last evaluated: 2025-12-02. Review status: criteria provided, single submitter. Criteria: LabCorp Variant Classification Summary - May 2015. Collection method: clinical testing. Allele origin: germline.

Blueprint Genetics
Classification: Likely benign. Last evaluated: 2024-11-19. Review status: criteria provided, single submitter. Criteria: ACMG Guidelines, 2015. Collection method: clinical testing. Allele origin: germline.

CHEO Genetics Diagnostic Laboratory, Children's Hospital of Eastern Ontario
Classification: Benign for Cardiomyopathy. Last evaluated: 2023-06-19. Review status: criteria provided, single submitter. Criteria: ACMG Guidelines, 2015. Collection method: clinical testing. Allele origin: germline.

Ambry Genetics
Classification: Benign for Cardiovascular phenotype. Last evaluated: 2019-06-19. Review status: criteria provided, single submitter. Criteria: Ambry Variant Classification Scheme 2023. Collection method: clinical testing. Allele origin: germline.

GeneDx
Classification: Benign. Last evaluated: 2018-01-24. Review status: criteria provided, single submitter. Criteria: GeneDx Variant Classification (06012015). Collection method: clinical testing. Allele origin: germline. Affected: yes.
Comment: This variant is considered likely benign or benign based on one or more of the following criteria: it is a conservative change, it occurs at a poorly conserved position in the protein, it is predicted to be benign by multiple in silico algorithms, and/or has population frequency not consistent with disease.

Clinical Genetics, Academic Medical Center
Classification: Benign. Review status: no assertion criteria provided. Collection method: clinical testing. Allele origin: germline. Affected: yes. Study: VKGL Data-share Consensus. Not counted in ClinVar's aggregate classification.

Genome Diagnostics Laboratory, University Medical Center Utrecht
Classification: Likely benign. Review status: no assertion criteria provided. Collection method: clinical testing. Allele origin: germline. Affected: yes. Study: VKGL Data-share Consensus. Not counted in ClinVar's aggregate classification.

NM_001458.5(FLNC):c.7545C>T (p.Leu2515=)

Genes: FLNC (filamin C; plus strand), FLNC-AS1 (FLNC antisense RNA 1; minus strand). Cytogenetic location: 7q32.1.
Variant type: single nucleotide variant.
Coding change: c.7545C>T on transcript NM_001458.5 (MANE Select); coding-DNA position 7545, C replaced by T.
Protein change: p.Leu2515=; no amino-acid change (leucine 2515 retained).
Molecular consequence: synonymous variant.
Genome position (GRCh38, 1-based): chr7:128,856,905, C>T. VCF-style: chr7-128856905-C-T. GRCh37 (hg19) VCF-style: chr7-128496959-C-T.
Other names: c.7446C>T, p.Leu2482= (NM_001127487.2).
Identifiers: ClinVar variation 472176 (VCV000472176.21), dbSNP rs369791058, ClinGen allele CA4476288.